The following is an entry in ClinVar:

ClinVar aggregate classification (germline): Uncertain significance. Review status: criteria provided, multiple submitters, no conflicts (2 of 4 stars). 2 submissions from 2 submitters: Uncertain significance (2). Last evaluated 2024-12-04.

Conditions:
EP300-related disorder. Also called: EP300-related disorders; EP300-related condition.
Rubinstein-Taybi syndrome due to EP300 haploinsufficiency. Also called: EP300-Related Rubinstein-Taybi Syndrome; RUBINSTEIN-TAYBI SYNDROME 2. Identifiers: Orphanet 353284, Orphanet 783, MedGen C3150941, MONDO:0013364, OMIM 613684.

Allele frequency attached by ClinVar (database versions not stated): gnomAD 0.00001; gnomAD exomes 0.00001; TOPMed 0.00001; ExAC 0.00002.
gnomAD v4.1: 17 of 1,613,994 alleles (0.0011%); highest among the groups gnomAD compares: South Asian, 0.0022%; no homozygotes.

Submissions (2):

PreventionGenetics, part of Exact Sciences
Classification: Uncertain significance for EP300-related condition. Last evaluated: 2024-12-04. Review status: criteria provided, single submitter. Criteria: ACMG Guidelines, 2015. Collection method: clinical testing. Allele origin: germline.
Comment: The EP300 c.6703C>A variant is predicted to result in the amino acid substitution p.Gln2235Lys. To our knowledge, this variant has not been reported in the literature. This variant is reported in 0.0018% of alleles in individuals of European (Non-Finnish) descent in gnomAD. At this time, the clinical significance of this variant is uncertain due to the absence of conclusive functional and genetic evidence.

Labcorp Genetics (formerly Invitae), Labcorp
Classification: Uncertain significance for Rubinstein-Taybi syndrome due to EP300 haploinsufficiency. Last evaluated: 2024-07-16. Review status: criteria provided, single submitter. Criteria: Invitae Variant Classification Sherloc (09022015). Collection method: clinical testing. Allele origin: germline.
Comment: This sequence change replaces glutamine, which is neutral and polar, with lysine, which is basic and polar, at codon 2235 of the EP300 protein (p.Gln2235Lys). This variant is present in population databases (rs770293450, gnomAD 0.002%). This variant has not been reported in the literature in individuals affected with EP300-related conditions. ClinVar contains an entry for this variant (Variation ID: 2630470). Advanced modeling of protein sequence and biophysical properties (such as structural, functional, and spatial information, amino acid conservation, physicochemical variation, residue mobility, and thermodynamic stability) performed at Invitae indicates that this missense variant is not expected to disrupt EP300 protein function with a negative predictive value of 80%. In summary, the available evidence is currently insufficient to determine the role of this variant in disease. Therefore, it has been classified as a Variant of Uncertain Significance.

NM_001429.4(EP300):c.6703C>A (p.Gln2235Lys)

Gene: EP300 (EP300 lysine acetyltransferase; plus strand). Cytogenetic location: 22q13.2.
Variant type: single nucleotide variant.
Coding change: c.6703C>A on transcript NM_001429.4 (MANE Select); coding-DNA position 6703, C replaced by A.
Protein change: p.Gln2235Lys; replaces glutamine 2235 with lysine.
Molecular consequence: missense variant.
Genome position (GRCh38, 1-based): chr22:41,178,414, C>A. VCF-style: chr22-41178414-C-A. GRCh37 (hg19) VCF-style: chr22-41574418-C-A.
Other names: c.6625C>A, p.Gln2209Lys (NM_001362843.2); short protein forms Q2209K, Q2235K.
Identifiers: ClinVar variation 2630470 (VCV002630470.4), dbSNP rs770293450, ClinGen allele CA10253934.